The following is an entry in ClinVar:

NM_000184.2(HBG2):c.178A>G (p.Lys60Glu)

Genes: HBG2 (hemoglobin subunit gamma 2; minus strand), LOC106099065 (HBG2 recombination region; plus strand). Cytogenetic location: 11p15.4.
Variant type: single nucleotide variant.
Coding change: c.178A>G on transcript NM_000184.2; coding-DNA position 178, A replaced by G.
Protein change: p.Lys60Glu; replaces lysine 60 with glutamic acid.
Molecular consequence: missense variant (on NM_000184.3).
Genome position (GRCh38, 1-based): chr11:5,254,429, T>C on the plus strand (A>G on the coding strand, the complement: HBG2 is on the minus strand). VCF-style: chr11-5254429-T-C. GRCh37 (hg19) VCF-style: chr11-5275659-T-C.
Other names: K59E; c.178A>G, p.Lys60Glu (NM_000184.3); short protein forms K60E.
Identifiers: ClinVar variation 14997 (VCV000014997.3), dbSNP rs28933078, ClinGen allele CA124567.
Genomic context (GRCh38, chr11:5,254,429, plus strand): 5'-CCAGGTGCTTTATGGCATCTCCCAAGGAAGTCAGCACCTTCTTGCCATGTGCCTTGACTT[T>C]GGGGTTGCCCATGATGGCAGAGGCAGAGGACAGGTTGCCAAAGCTGTCAAAGAACCTCTG-3'
Protein context (NP_000175.1, residues 50-70): SSASAIMGNP[Lys60Glu]VKAHGKKVLT

ClinVar aggregate classification (germline): Likely benign. Review status: criteria provided, single submitter (1 of 4 stars). 2 submissions from 2 submitters: Likely benign (1). 1 of the submissions does not count toward it. Last evaluated 2024-09-06.

Conditions:
HEMOGLOBIN F (EMIRATES).

Allele frequency attached by ClinVar (database versions not stated): gnomAD 0.00001; TOPMed below 0.00001.
gnomAD v4.1: 7 of 1,614,162 alleles (0.00043%); highest among the groups gnomAD compares: Non-Finnish European, 0.00059%; no homozygotes.

Submissions (2):

ARUP Laboratories, Molecular Genetics and Genomics, ARUP Laboratories
Classification: Likely benign. Last evaluated: 2024-09-06. Review status: criteria provided, single submitter. Criteria: ARUP Molecular Germline Variant Investigation Process 2024. Collection method: clinical testing. Allele origin: germline.
Comment: The Hb F-Emirates variant (HBG2: c.178A>G;p.Lys60Glu, also known as Lys59Glu when numbered from the mature protein, rs28933078, HbVar ID: 600, ClinVar ID: 14997) is reported in the literature in an individual with no hematological findings. This variant is found in the non-Finnish European population with an overall allele frequency of 0.002% (2/113,742 alleles) in the Genome Aggregation Database (v2.1.1). Computational analyses are uncertain whether this variant is neutral or deleterious (REVEL: 0.512). Based on available information, this variant is considered to be likely benign References: Link to HbVar database

OMIM
Classification: other for HEMOGLOBIN F (EMIRATES). Last evaluated: 2011-08-05. Review status: no assertion criteria provided. Collection method: literature only. Allele origin: germline. Not counted in ClinVar's aggregate classification.

Literature cited by the submitters: PubMed 7558873 (cited by OMIM).